The following is an entry in ClinVar:

ClinVar aggregate classification (germline): Uncertain significance. Review status: criteria provided, multiple submitters, no conflicts (2 of 4 stars). 2 submissions from 2 submitters: Uncertain significance (2). Last evaluated 2025-10-25.

Conditions:
Inborn genetic diseases. Identifiers: MedGen C0950123, MeSH D030342.

Submissions (2):

Ambry Genetics
Classification: Uncertain significance for Inborn genetic diseases. Last evaluated: 2025-10-25. Review status: criteria provided, single submitter. Criteria: Ambry Variant Classification Scheme 2023. Collection method: clinical testing. Allele origin: germline.
Comment: The p.E566A variant (also known as c.1697A>C), located in coding exon 13 of the FANCG gene, results from an A to C substitution at nucleotide position 1697. The glutamic acid at codon 566 is replaced by alanine, an amino acid with dissimilar properties. This amino acid position is conserved. In addition, this alteration is predicted to be tolerated by in silico analysis. Based on the available evidence, the clinical significance of this variant remains unclear.

CeGaT Center for Human Genetics Tuebingen
Classification: Uncertain significance. Last evaluated: 2024-09-01. Review status: criteria provided, single submitter. Criteria: CeGaT Center For Human Genetics Tuebingen Variant Classification Criteria Version 2. Collection method: clinical testing. Allele origin: germline. Affected: yes. Observed: 1 variant allele.
Comment: FANCG: PM2, BP4

NM_004629.2(FANCG):c.1697A>C (p.Glu566Ala)

Gene: FANCG (FA complementation group G; minus strand). Cytogenetic location: 9p13.3.
Variant type: single nucleotide variant.
Coding change: c.1697A>C on transcript NM_004629.2 (MANE Select); coding-DNA position 1697, A replaced by C.
Protein change: p.Glu566Ala; replaces glutamic acid 566 with alanine.
Molecular consequence: missense variant.
Genome position (GRCh38, 1-based): chr9:35,074,434, T>G on the plus strand (A>C on the coding strand, the complement: FANCG is on the minus strand). VCF-style: chr9-35074434-T-G. GRCh37 (hg19) VCF-style: chr9-35074431-T-G.
Other names: short protein forms E566A.
Identifiers: ClinVar variation 3389626 (VCV003389626.14).